The following is an entry in ClinVar:

NM_201384.3(PLEC):c.13504C>T (p.Arg4502Cys)

Gene: PLEC (plectin; minus strand). Cytogenetic location: 8q24.3.
Variant type: single nucleotide variant.
Coding change: c.13504C>T on transcript NM_201384.3 (MANE Select); coding-DNA position 13504, C replaced by T.
Protein change: p.Arg4502Cys; replaces arginine 4502 with cysteine.
Molecular consequence: missense variant.
Genome position (GRCh38, 1-based): chr8:143,916,317, G>A on the plus strand (C>T on the coding strand, the complement: PLEC is on the minus strand). VCF-style: chr8-143916317-G-A. GRCh37 (hg19) VCF-style: chr8-144990485-G-A.
Other names: c.13438C>T, p.Arg4480Cys (NM_201379.3); c.13915C>T, p.Arg4639Cys (NM_201380.4); c.13408C>T, p.Arg4470Cys (NM_201381.3); c.13504C>T, p.Arg4502Cys (NM_201382.4); c.13516C>T, p.Arg4506Cys (NM_201383.3); c.13585C>T, p.Arg4529Cys (NM_000445.5); c.10204C>T, p.Arg3402Cys (NM_001410941.1); c.13462C>T, p.Arg4488Cys (NM_201378.4); and 1 more; short protein forms R4480C, R3402C, R4488C, R4506C, R4529C, R4470C, R4502C, R4639C.
Identifiers: ClinVar variation 2085052 (VCV002085052.7), dbSNP rs781871638, ClinGen allele CA4923776.

ClinVar aggregate classification (germline): Uncertain significance. Review status: criteria provided, multiple submitters, no conflicts (2 of 4 stars). 2 submissions from 2 submitters: Uncertain significance (2). Last evaluated 2025-05-29.

Conditions:
Epidermolysis bullosa simplex 5C, with pyloric atresia (EBS5C). Also called: PLEC-Related Epidermolysis Bullosa with Pyloric Atresia; Epidermolysis bullosa simplex with pyloric atresia; PLEC1-Related Epidermolysis Bullosa with Pyloric Atresia. Identifiers: Orphanet 158684, MedGen C2677349, MONDO:0012807, OMIM 612138.
Epidermolysis bullosa simplex with nail dystrophy (EBS5D). Identifiers: MedGen C4225309, MONDO:0014661, OMIM 616487.
Epidermolysis bullosa simplex 5B, with muscular dystrophy (EBS5B). Also called: EPIDERMOLYSIS BULLOSA SIMPLEX AND LIMB-GIRDLE MUSCULAR DYSTROPHY; Epidermolysis bullosa simplex with muscular dystrophy. Identifiers: Orphanet 257, MedGen C2931072, MONDO:0009181, OMIM 226670.
Epidermolysis bullosa simplex, Ogna type (EBS5A). Also called: Pidermolysis bullosa simplex 5A, Ogna type; EPIDERMOLYSIS BULLOSA SIMPLEX 5A, OGNA TYPE. Identifiers: Orphanet 79401, MedGen C0432317, MONDO:0007555, OMIM 131950.
Autosomal recessive limb-girdle muscular dystrophy type 2Q (LGMDR17). Also called: MUSCULAR DYSTROPHY, LIMB-GIRDLE, AUTOSOMAL RECESSIVE 17. Identifiers: Orphanet 254361, MedGen C3150989, MONDO:0013390, OMIM 613723.

Allele frequency attached by ClinVar (database versions not stated): gnomAD 0.00001; gnomAD exomes 0.00001; TOPMed 0.00001; ExAC 0.00002.
gnomAD v4.1: 18 of 1,590,168 alleles (0.0011%); highest among the groups gnomAD compares: Non-Finnish European, 0.0014%; no homozygotes.

Submissions (2):

Labcorp Genetics (formerly Invitae), Labcorp
Classification: Uncertain significance for Autosomal recessive limb-girdle muscular dystrophy type 2Q; Epidermolysis bullosa simplex, Ogna type; Epidermolysis bullosa simplex with nail dystrophy; Epidermolysis bullosa simplex 5C, with pyloric atresia; Epidermolysis bullosa simplex 5B, with muscular dystrophy. Last evaluated: 2025-05-29. Review status: criteria provided, single submitter. Criteria: Invitae Variant Classification Sherloc (09022015). Collection method: clinical testing. Allele origin: germline.
Comment: This sequence change replaces arginine, which is basic and polar, with cysteine, which is neutral and slightly polar, at codon 4529 of the PLEC protein (p.Arg4529Cys). This variant is present in population databases (rs781871638, gnomAD 0.001%). This variant has not been reported in the literature in individuals affected with PLEC-related conditions. ClinVar contains an entry for this variant (Variation ID: 2085052). Invitae Evidence Modeling of protein sequence and biophysical properties (such as structural, functional, and spatial information, amino acid conservation, physicochemical variation, residue mobility, and thermodynamic stability) indicates that this missense variant is not expected to disrupt PLEC protein function with a negative predictive value of 80%. In summary, the available evidence is currently insufficient to determine the role of this variant in disease. Therefore, it has been classified as a Variant of Uncertain Significance.

Revvity Omics, Revvity
Classification: Uncertain significance. Last evaluated: 2023-12-26. Review status: criteria provided, single submitter. Criteria: ACMG Guidelines, 2015. Collection method: clinical testing. Allele origin: germline.